The following is an entry in ClinVar:

ClinVar aggregate classification (germline): Pathogenic/Likely pathogenic. Review status: criteria provided, multiple submitters, no conflicts (2 of 4 stars). 2 submissions from 2 submitters: Pathogenic (1); Likely pathogenic (1). Last evaluated 2023-11-02.

Conditions:
Seizures, benign familial infantile, 3 (BFIS3). Also called: Familial neonatal seizures; CONVULSIONS, BENIGN FAMILIAL INFANTILE, 3. Identifiers: Orphanet 140927, Orphanet 306, MedGen C1843140, MONDO:0011904, OMIM 607745.
Developmental and epileptic encephalopathy, 11 (DEE11). Also called: Early infantile epileptic encephalopathy 11. Identifiers: Orphanet 1934, MedGen C3150987, MONDO:0013388, OMIM 613721.

Submissions (2):

Labcorp Genetics (formerly Invitae), Labcorp
Classification: Pathogenic for Seizures, benign familial infantile, 3; Developmental and epileptic encephalopathy, 11. Last evaluated: 2023-11-02. Review status: criteria provided, single submitter. Criteria: Invitae Variant Classification Sherloc (09022015). Collection method: clinical testing. Allele origin: germline.
Comment: This sequence change creates a premature translational stop signal (p.Trp729*) in the SCN2A gene. It is expected to result in an absent or disrupted protein product. Loss-of-function variants in SCN2A are known to be pathogenic (PMID: 28379373). This variant is not present in population databases (gnomAD no frequency). This variant has not been reported in the literature in individuals affected with SCN2A-related conditions. ClinVar contains an entry for this variant (Variation ID: 2412771). For these reasons, this variant has been classified as Pathogenic.

Broad Center for Mendelian Genomics, Broad Institute of MIT and Harvard
Classification: Likely pathogenic for Developmental and epileptic encephalopathy, 11. Last evaluated: 2023-01-25. Review status: criteria provided, single submitter. Criteria: ACMG Guidelines, 2015. Collection method: curation. Allele origin: germline. Inheritance: Autosomal dominant inheritance.
Comment: Trio exome analysis showed this variant to be de novo. The p.Trp729Ter variant in SCN2A has not been previously reported in individuals with developmental and epileptic encephalopathy 11. This variant was absent from large population studies. This nonsense variant leads to a premature termination codon at position 729, which is predicted to lead to a truncated or absent protein. Heterozygous loss of function of the SCN2A gene is strongly associated to autosomal dominant developmental and epileptic encephalopathy 11. In summary, although additional studies are required to fully establish its clinical significance, this variant is likely pathogenic for developmental and epileptic encephalopathy 11. ACMG/AMP Criteria applied: PVS1_Strong, PS2_Supporting, PM2_Supporting (Richards 2015).

Literature cited by the submitters: PubMed 28379373 (cited by Labcorp Genetics (formerly Invitae), Labcorp).

NM_001040142.2(SCN2A):c.2187G>A (p.Trp729Ter)

Gene: SCN2A (sodium voltage-gated channel alpha subunit 2; plus strand). Cytogenetic location: 2q24.3.
Variant type: single nucleotide variant.
Coding change: c.2187G>A on transcript NM_001040142.2 (MANE Select); coding-DNA position 2187, G replaced by A.
Protein change: p.Trp729Ter; replaces tryptophan 729 with a stop codon.
Molecular consequence: nonsense.
Genome position (GRCh38, 1-based): chr2:165,331,367, G>A. VCF-style: chr2-165331367-G-A. GRCh37 (hg19) VCF-style: chr2-166187877-G-A.
Other names: NM_021007.3:c.2187G>A; c.2187G>A, p.Trp729Ter (NM_001040143.2, NM_001371246.1, NM_001371247.1 and 1 more transcripts); short protein forms W729*.
Identifiers: ClinVar variation 2412771 (VCV002412771.4), dbSNP rs1553574531, ClinGen allele CA349030607.